The following is an entry in ClinVar:

NM_006265.3(RAD21):c.1073A>G (p.Lys358Arg)

Gene: RAD21 (RAD21 cohesin complex component; minus strand). Cytogenetic location: 8q24.11.
Variant type: single nucleotide variant.
Coding change: c.1073A>G on transcript NM_006265.3 (MANE Select); coding-DNA position 1073, A replaced by G.
Protein change: p.Lys358Arg; replaces lysine 358 with arginine.
Molecular consequence: missense variant.
Genome position (GRCh38, 1-based): chr8:116,854,333, T>C on the plus strand (A>G on the coding strand, the complement: RAD21 is on the minus strand). VCF-style: chr8-116854333-T-C. GRCh37 (hg19) VCF-style: chr8-117866572-T-C.
Other names: short protein forms K358R.
Identifiers: ClinVar variation 3776610 (VCV003776610.2).

ClinVar aggregate classification (germline): Uncertain significance. Review status: criteria provided, multiple submitters, no conflicts (2 of 4 stars). 2 submissions from 2 submitters: Uncertain significance (2). Last evaluated 2026-05-23.

Conditions:
Inborn genetic diseases. Identifiers: MedGen C0950123, MeSH D030342.

Submissions (2):

Ambry Genetics
Classification: Uncertain significance for Inborn genetic diseases. Last evaluated: 2026-05-23. Review status: criteria provided, single submitter. Criteria: Ambry Variant Classification Scheme 2023. Collection method: clinical testing. Allele origin: germline.

GeneDx
Classification: Uncertain significance. Last evaluated: 2024-10-01. Review status: criteria provided, single submitter. Criteria: GeneDx Variant Classification Process June 2021. Collection method: clinical testing. Allele origin: germline. Affected: yes.
Comment: Not observed at significant frequency in large population cohorts (gnomAD); In silico analysis indicates that this missense variant does not alter protein structure/function; Has not been previously published as pathogenic or benign to our knowledge